The following is an entry in ClinVar:

NM_002691.4(POLD1):c.883G>A (p.Val295Met)

Gene: POLD1 (DNA polymerase delta 1, catalytic subunit; plus strand). Cytogenetic location: 19q13.33.
Variant type: single nucleotide variant.
Coding change: c.883G>A on transcript NM_002691.4 (MANE Select); coding-DNA position 883, G replaced by A.
Protein change: p.Val295Met; replaces valine 295 with methionine.
Molecular consequence: missense variant. On other transcripts: non-coding transcript variant (1).
Genome position (GRCh38, 1-based): chr19:50,402,654, G>A. VCF-style: chr19-50402654-G-A. GRCh37 (hg19) VCF-style: chr19-50905911-G-A.
Other names: c.883G>A, p.Val295Met (NM_001256849.1, NM_001308632.1); c.883G>A (NM_002691.2); short protein forms V295M.
Identifiers: ClinVar variation 239373 (VCV000239373.82), dbSNP rs199545019, ClinGen allele CA9595941.
Genomic context (GRCh38, chr19:50,402,654, plus strand): 5'-ACCCACCCATGCCCACAGGCTACGCAGTGCCAGCTGGAGGCGGACGTGCTGTGGTCTGAC[G>A]TGGTCAGTCACCCACCGGAAGGGCCATGGCAGCGCATTGCGCCCTTGCGCGTGCTCAGCT-3'
Protein context (NP_002682.2, residues 285-305): QLEADVLWSD[Val295Met]VSHPPEGPWQ

ClinVar aggregate classification (germline): Conflicting classifications of pathogenicity. Review status: criteria provided, conflicting classifications (1 of 4 stars). 20 submissions from 20 submitters: Uncertain significance (3); Benign (1); Likely benign (10). 6 of the submissions do not count toward it. Last evaluated 2026-07-01.

Conditions:
POLD1-related disorder. Also called: POLD1-related disorders; POLD1-related condition.
Inherited polyposis and early onset colorectal cancer - germline testing.
Hereditary cancer-predisposing syndrome. Also called: Hereditary neoplastic syndrome; Hereditary Cancer Syndrome; Neoplastic Syndromes, Hereditary; Tumor predisposition. Identifiers: Orphanet 140162, MedGen C0027672, MeSH D009386, MONDO:0015356.
POLD1-related polyposis and colorectal cancer syndrome (CRCS10). Also called: COLORECTAL CANCER, SUSCEPTIBILITY TO, ON CHROMOSOME 19q; Colorectal cancer 10; Colorectal cancer, susceptibility to, 10. Identifiers: Orphanet 220460, MedGen C2675481, MONDO:0012953, OMIM 612591.
Carcinoma of colon (CRC). Also called: Colonic carcinoma; Colon carcinoma. Identifiers: MedGen C0699790, MONDO:0002032.

Allele frequency attached by ClinVar (database versions not stated): ESP Exome Variant Server 0.00031; gnomAD 0.00056 and 0.00060; TOPMed 0.00071; ExAC 0.00079; 1000 Genomes Project 30x 0.00031.

Submissions 1 to 16 of 20:

CeGaT Center for Human Genetics Tuebingen
Classification: Likely benign. Last evaluated: 2026-07-01. Review status: criteria provided, single submitter. Criteria: CeGaT Center For Human Genetics Tuebingen Variant Classification Criteria Version 2. Collection method: clinical testing. Allele origin: germline. Affected: yes. Observed: 6 variant alleles.
Comment: POLD1: BP4

Genomics and Molecular Medicine Service, East Genomic Laboratory Hub, NHS Genomic Medicine Service
Classification: Uncertain significance for Inherited polyposis and early onset colorectal cancer - germline testing. Last evaluated: 2026-04-15. Review status: criteria provided, single submitter. Criteria: ACGS Best Practice Guidelines for Variant Classification in Rare Disease 2020. Collection method: clinical testing. Allele origin: germline. Affected: yes.
Comment: BS1_Strong

Labcorp Genetics (formerly Invitae), Labcorp
Classification: Likely benign for POLD1-related polyposis and colorectal cancer syndrome. Last evaluated: 2026-02-03. Review status: criteria provided, single submitter. Criteria: Invitae Variant Classification Sherloc (09022015). Collection method: clinical testing. Allele origin: germline.

Catlab - Consorci Sanitari de Terrassa
Classification: Likely benign for Hereditary cancer-predisposing syndrome. Last evaluated: 2025-12-28. Review status: criteria provided, single submitter. Criteria: ACMG Guidelines, 2015. Collection method: clinical testing. Allele origin: germline.
Comment: Based on the currently available information, this variant is classified as Likely Benign according to ACMG Richards 2015 guidelines and published results (PMID:34285382). ACMG criteria: BS1, BP4.

Dasa
Classification: Likely benign. Last evaluated: 2025-12-19. Review status: criteria provided, single submitter. Criteria: DASA Assertion Criteria. Collection method: clinical testing. Allele origin: germline.
Comment: NM_002691.4(POLD1):c.883G>A (p.Val295Met) is a missense variant that results in the substitution of valine with methionine. Population frequency is inconsistent with a disease-causing role for this variant, and observations in unaffected individuals support a benign interpretation. Computational prediction algorithms are consistent with a benign effect. Therefore, based on the currently available evidence, this variant is classified as likely benign.

Center for Genomic Medicine, Rigshospitalet, Copenhagen University Hospital
Classification: Uncertain significance. Last evaluated: 2025-03-04. Review status: criteria provided, single submitter. Criteria: ACMG Guidelines, 2015. Collection method: clinical testing. Allele origin: germline.

Blueprint Genetics
Classification: Likely benign. Last evaluated: 2024-11-25. Review status: criteria provided, single submitter. Criteria: ACMG Guidelines, 2015. Collection method: clinical testing. Allele origin: germline.

Ambry Genetics
Classification: Likely benign for Hereditary cancer-predisposing syndrome. Last evaluated: 2024-06-25. Review status: criteria provided, single submitter. Criteria: Ambry Variant Classification Scheme 2023. Collection method: clinical testing. Allele origin: germline.

Genetic Services Laboratory, University of Chicago
Classification: Likely benign. Last evaluated: 2021-09-01. Review status: criteria provided, single submitter. Criteria: ACMG Guidelines, 2015. Collection method: clinical testing. Allele origin: germline. Affected: no.
Comment: DNA sequence analysis of the POLD1 gene demonstrated a sequence change, c.883G>A, in exon 8 that results in an amino acid change, p.Val295Met. This sequence change does not appear to have been previously described in patients with POLD1-related disorders and has been described in the gnomAD database with a population frequency of 0.14% in Ashkenazi Jewish subpopulation (dbSNP rs199545019). The p.Val295Met change affects a poorly conserved amino acid residue located in a domain of the POLD1 protein that is known to be functional. The p.Val295Met substitution appears to be benign using several in-silico pathogenicity prediction tools (SIFT, PolyPhen2, Align GVGD, REVEL). Due to these evidences and the lack of functional studies, the clinical significance of the p.Val295Met change remains unknown at this time.

Women's Health and Genetics/Laboratory Corporation of America, LabCorp
Classification: Likely benign. Last evaluated: 2021-03-07. Review status: criteria provided, single submitter. Criteria: LabCorp Variant Classification Summary - May 2015. Collection method: clinical testing. Allele origin: germline.
Comment: Variant summary: POLD1 c.883G>A (p.Val295Met) results in a conservative amino acid change in the encoded protein sequence. Five of five in-silico tools predict a benign effect of the variant on protein function. The variant allele was found at a frequency of 0.00055 in 218624 control chromosomes. The observed variant frequency is approximately 40 fold of the estimated maximal expected allele frequency for a pathogenic variant in POLD1 causing Colorectal Cancer phenotype (1.4e-05), strongly suggesting that the variant is benign. c.883G>A has been reported in the literature as a VUS in at-least two families with a history of cancers but no conclusive co-segregation with disease (example, Bellido_2016, Buchanan_2018) These data do not allow any conclusion about variant significance. To our knowledge, no experimental evidence demonstrating an impact on protein function has been reported. Six clinical diagnostic laboratories have submitted clinical-significance assessments for this variant to ClinVar after 2014 without evidence for independent evaluation. Multiple laboratories reported the variant with conflicting assessments some citing overlapping evidence utilized in the context of this evaluation (likely benign, n=2; benign, n=1; VUS, n=3). Based on the evidence outlined above, the variant was classified as likely benign.

Sema4
Classification: Likely benign for Hereditary cancer-predisposing syndrome. Last evaluated: 2021-01-27. Review status: criteria provided, single submitter. Criteria: Sema4 Curation Guidelines. Collection method: curation. Allele origin: germline.

Mendelics
Classification: Likely benign for POLD1-related polyposis and colorectal cancer syndrome. Last evaluated: 2019-05-28. Review status: criteria provided, single submitter. Criteria: Mendelics Assertion Criteria 2017. Collection method: clinical testing. Allele origin: unknown.

Quest Diagnostics Nichols Institute San Juan Capistrano
Classification: Benign. Last evaluated: 2019-04-15. Review status: criteria provided, single submitter. Criteria: Quest Diagnostics criteria. Collection method: clinical testing. Allele origin: germline.

GeneDx
Classification: Uncertain significance. Last evaluated: 2017-03-15. Review status: criteria provided, single submitter. Criteria: GeneDx Variant Classification (06012015). Collection method: clinical testing. Allele origin: germline. Affected: yes.
Comment: This variant is denoted POLD1 c.883G>A at the cDNA level, p.Val295Met (V295M) at the protein level, and results in the change of a Valine to a Methionine (GTG>ATG). Bellido et al. (2015) identified this variant in two kindreds characterized by familial or early-onset mismatch repair proficient colorectal cancer and/or APC and MUTYH-negative polyposes. In the second family, POLD1 Val296Met was observed in trans with a second POLD1 missense variant, Asp316Gly, which the authors interpreted as pathogenic. While the mother in this kindred, who was affected with breast and endometrial cancer, harbored both variants, a daughter affected with both colorectal and endometrial cancer only inherited POLD1 Asp316Gly. POLD1 Val295Met was not observed at a significant allele frequency in the NHLBI Exome Sequencing Project. Since Valine and Methionine share similar properties, this is considered a conservative amino acid substitution. POLD1 Val295Met occurs at a position that is conserved in mammals and is not located in a known functional domain (Tahirov 2009, Preston 2010). In silico analyses are inconsistent regarding the effect this variant may have on protein structure and function. Based on currently available evidence, it is unclear whether POLD1 Val295Met is a pathogenic or benign variant. We consider it to be a variant of uncertain significance.

PreventionGenetics, part of Exact Sciences
Classification: Likely benign for POLD1-related condition. Last evaluated: 2022-06-20. Review status: no assertion criteria provided. Collection method: clinical testing. Allele origin: germline. Not counted in ClinVar's aggregate classification.
Comment: This variant is classified as likely benign based on ACMG/AMP sequence variant interpretation guidelines (Richards et al. 2015 PMID: 25741868, with internal and published modifications).

Clinical Genetics DNA and cytogenetics Diagnostics Lab, Erasmus MC, Erasmus Medical Center
Classification: Likely benign. Review status: no assertion criteria provided. Collection method: clinical testing. Allele origin: germline. Affected: yes. Study: VKGL Data-share Consensus. Not counted in ClinVar's aggregate classification.